The following is an entry in ClinVar:

ClinVar aggregate classification (germline): Pathogenic (1 of 4 stars; one submission).

Conditions:
Dilated cardiomyopathy 1L (CMD1L). Identifiers: Orphanet 154, MedGen C1847667, MONDO:0011702, OMIM 606685.
Autosomal recessive limb-girdle muscular dystrophy type 2F (LGMDR6). Also called: MUSCULAR DYSTROPHY, LIMB-GIRDLE, AUTOSOMAL RECESSIVE 6; Muscular dystrophy limb-girdle with delta-sarcoglyan deficiency. Identifiers: Orphanet 219, MedGen C1832525, MONDO:0011028, OMIM 601287. Disease mechanism: Affects gamma-sarcoglycan and also disrupts the integrity of the entire sarcoglycan complex..

Submission:

Juno Genomics, Hangzhou Juno Genomics, Inc
Classification: Pathogenic for Dilated cardiomyopathy 1L; Autosomal recessive limb-girdle muscular dystrophy type 2F. Review status: criteria provided, single submitter. Criteria: ACMG Guidelines, 2015. Collection method: clinical testing. Allele origin: germline.
Comment: Absent from controls (or at extremely low frequency if recessive) in Genome Aggregation Database.;Null variant in a gene where loss of function (LOF) is a known mechanism of disease.;For recessive disorders, detected in trans with a pathogenic variant.

NM_000337.6(SGCD):c.277G>T (p.Glu93Ter)

Gene: SGCD (sarcoglycan delta; plus strand). Cytogenetic location: 5q33.3.
Variant type: single nucleotide variant.
Coding change: c.277G>T on transcript NM_000337.6 (MANE Select); coding-DNA position 277, G replaced by T.
Protein change: p.Glu93Ter; replaces glutamic acid 93 with a stop codon.
Molecular consequence: nonsense.
Genome position (GRCh38, 1-based): chr5:156,508,685, G>T. VCF-style: chr5-156508685-G-T. GRCh37 (hg19) VCF-style: chr5-155935695-G-T.
Other names: c.274G>T, p.Glu92Ter (NM_001128209.2); c.277G>T, p.Glu93Ter (NM_172244.3); short protein forms E92*, E93*.
Identifiers: ClinVar variation 5006864 (VCV005006864.2).